The following is an entry in ClinVar:

NM_172250.3(MMAA):c.202C>T (p.Gln68Ter)

Gene: MMAA (metabolism of cobalamin associated A; plus strand). Cytogenetic location: 4q31.21.
Variant type: single nucleotide variant.
Coding change: c.202C>T on transcript NM_172250.3 (MANE Select); coding-DNA position 202, C replaced by T.
Protein change: p.Gln68Ter; replaces glutamine 68 with a stop codon.
Molecular consequence: nonsense.
Genome position (GRCh38, 1-based): chr4:145,639,341, C>T. VCF-style: chr4-145639341-C-T. GRCh37 (hg19) VCF-style: chr4-146560493-C-T.
Other names: short protein forms Q68*.
Identifiers: ClinVar variation 440796 (VCV000440796.10), dbSNP rs754894257, ClinGen allele CA107720165.

ClinVar aggregate classification (germline): Pathogenic/Likely pathogenic. Review status: criteria provided, multiple submitters, no conflicts (2 of 4 stars). 3 submissions from 3 submitters: Pathogenic (2); Likely pathogenic (1). Last evaluated 2024-04-25.

Conditions:
Methylmalonic aciduria, cblA type (MACA). Also called: Methylmalonic aciduria, vitamin b12-responsive, due to defect in synthesis of adenosylcobalamin, cbla complementation type; MMA cbl A type; Methylmalonic acidemia cblA type; Vitamin B12-responsive methylmalonic acidemia type cblA; Methylmalonic aciduria, vitamin B12-responsive. Identifiers: Orphanet 28, Orphanet 79310, MedGen C1855109, MONDO:0009613, OMIM 251100.

Allele frequency attached by ClinVar (database versions not stated): gnomAD exomes 0.00001.

Submissions (3):

Fulgent Genetics
Classification: Likely pathogenic for Methylmalonic aciduria, cblA type. Last evaluated: 2024-04-25. Review status: criteria provided, single submitter. Criteria: ACMG Guidelines, 2015. Collection method: clinical testing. Allele origin: germline.

Labcorp Genetics (formerly Invitae), Labcorp
Classification: Pathogenic for Methylmalonic aciduria, cblA type. Last evaluated: 2024-02-25. Review status: criteria provided, single submitter. Criteria: Invitae Variant Classification Sherloc (09022015). Collection method: clinical testing. Allele origin: germline.
Comment: This sequence change creates a premature translational stop signal (p.Gln68*) in the MMAA gene. It is expected to result in an absent or disrupted protein product. Loss-of-function variants in MMAA are known to be pathogenic (PMID: 15523652, 15781192). This variant is not present in population databases (gnomAD no frequency). This premature translational stop signal has been observed in individual(s) with methylmalonic aciduria due to cobalamin A deficiency (PMID: 28497574). ClinVar contains an entry for this variant (Variation ID: 440796). For these reasons, this variant has been classified as Pathogenic.

University Children's Hospital, University of Zurich
Classification: Pathogenic for Methylmalonic aciduria, cblA type. Review status: criteria provided, single submitter. Criteria: ZB-IEM Variant Assertion Criteria. Collection method: clinical testing. Allele origin: germline. Affected: yes. Observed: 1 variant allele.

Literature cited by the submitters: PubMed 15523652 (cited by Labcorp Genetics (formerly Invitae), Labcorp); PubMed 15781192 (cited by Labcorp Genetics (formerly Invitae), Labcorp); PubMed 28497574 (cited by Labcorp Genetics (formerly Invitae), Labcorp).